The following is an entry in ClinVar:

ClinVar aggregate classification (germline): Likely benign. Review status: criteria provided, multiple submitters, no conflicts (2 of 4 stars). 2 submissions from 2 submitters: Likely benign (2). Last evaluated 2025-05-19.

Allele frequency attached by ClinVar (database versions not stated): gnomAD 0.00001 and 0.00002; TOPMed 0.00002.
gnomAD v4.1: 11 of 1,535,756 alleles (0.00072%); highest among the groups gnomAD compares: Admixed American, 0.002%; no homozygotes.

Submissions (2):

Mayo Clinic Laboratories, Mayo Clinic
Classification: Likely benign. Last evaluated: 2025-05-19. Review status: criteria provided, single submitter. Criteria: ACMG Guidelines, 2015. Collection method: clinical testing. Allele origin: germline. Observed: 1 variant allele.
Comment: BP4, BP7, PM2_supporting

Labcorp Genetics (formerly Invitae), Labcorp
Classification: Likely benign. Last evaluated: 2018-01-11. Review status: criteria provided, single submitter. Criteria: Invitae Variant Classification Sherloc (09022015). Collection method: clinical testing. Allele origin: germline.

NM_001142864.4(PIEZO1):c.690C>T (p.Leu230=)

Genes: PIEZO1 (piezo type mechanosensitive ion channel component 1 (Er blood group); minus strand), HSALR1 (HSP90AB1 associated lncRNA 1; plus strand). Cytogenetic location: 16q24.3.
Variant type: single nucleotide variant.
Coding change: c.690C>T on transcript NM_001142864.4 (MANE Select); coding-DNA position 690, C replaced by T.
Protein change: p.Leu230=; no amino-acid change (leucine 230 retained).
Molecular consequence: synonymous variant. On other transcripts: non-coding transcript variant (1).
Genome position (GRCh38, 1-based): chr16:88,738,385, G>A on the plus strand (C>T on the coding strand, the complement: PIEZO1 is on the minus strand). VCF-style: chr16-88738385-G-A. GRCh37 (hg19) VCF-style: chr16-88804793-G-A.
Other names: p.Leu230=.
Identifiers: ClinVar variation 725074 (VCV000725074.4), dbSNP rs774523922, ClinGen allele CA8233212.